The following is an entry in ClinVar:

NM_001365951.3(KIF1B):c.146C>A (p.Ser49Tyr)

Gene: KIF1B (kinesin family member 1B; plus strand). Cytogenetic location: 1p36.22.
Variant type: single nucleotide variant.
Coding change: c.146C>A on transcript NM_001365951.3 (MANE Select); coding-DNA position 146, C replaced by A.
Protein change: p.Ser49Tyr; replaces serine 49 with tyrosine.
Molecular consequence: missense variant.
Genome position (GRCh38, 1-based): chr1:10,256,286, C>A. VCF-style: chr1-10256286-C-A. GRCh37 (hg19) VCF-style: chr1-10316344-C-A.
Other names: p.Ser49Tyr; c.146C>A, p.Ser49Tyr (NM_001365952.1, NM_001365953.1, NM_015074.3 and 1 more transcripts); short protein forms S49Y.
Identifiers: ClinVar variation 291465 (VCV000291465.23), dbSNP rs143654307, ClinGen allele CA580622.
Genomic context (GRCh38, chr1:10,256,286, plus strand): 5'-TGAAACATTTTTATCTTCTAGGTATTATTAACCCAAAGAATCCAAAGGAAGCTCCAAAGT[C>A]CTTCAGCTTCGACTATTCCTACTGGTCTCATACCTCAGTGAGTACCCTCATGCCACAGCA-3'
Protein context (NP_001352880.1, residues 39-59): NPKNPKEAPK[Ser49Tyr]FSFDYSYWSH

ClinVar aggregate classification (germline): Conflicting classifications of pathogenicity. Review status: criteria provided, conflicting classifications (1 of 4 stars). 9 submissions from 9 submitters: Uncertain significance (7); Likely benign (1). 1 of the submissions does not count toward it. Last evaluated 2026-03-02.

Conditions:
Neuroblastoma (NB). Identifiers: Orphanet 635, MedGen C0027819, MeSH D009447, MONDO:0005072, HP:0003006.
Charcot-Marie-Tooth disease type 2. Also called: Charcot-Marie-Tooth type 2. Identifiers: Orphanet 64746, MedGen C0270914, MONDO:0018993.
Charcot-Marie-Tooth disease. Also called: Charcot-Marie-Tooth Neuropathy; Charcot-Marie-Tooth Hereditary Neuropathy. Identifiers: Orphanet 166, MedGen C0007959, MONDO:0015626.
Meniere disease. Also called: Ménière's disease. Identifiers: MedGen C0025281, MONDO:0007972, OMIM 156000.
Pheochromocytoma. Also called: MAX-Related Hereditary Paraganglioma-Pheochromocytoma Syndrome. Identifiers: Orphanet 29072, MedGen C0031511, MONDO:0008233, OMIM 171300, HP:0002666.

Allele frequency attached by ClinVar (database versions not stated): ExAC 0.00008; ESP Exome Variant Server 0.00031; gnomAD 0.00009; gnomAD exomes 0.00008; TOPMed 0.00021.
gnomAD v4.1: 206 of 1,612,532 alleles (0.013%); highest among the groups gnomAD compares: Non-Finnish European, 0.016%; no homozygotes.

Submissions (9):

Dasa
Classification: Uncertain significance. Last evaluated: 2026-03-02. Review status: criteria provided, single submitter. Criteria: DASA Assertion Criteria. Collection method: clinical testing. Allele origin: germline.
Comment: NM_001365951.3(KIF1B):c.146C>A (p.Ser49Tyr) is a missense variant that results in the substitution of serine with tyrosine. This variant is rare in population databases. The currently available literature and clinical evidence are not sufficient to establish a definitive association between this variant and the reported condition. Therefore, this variant is classified as a variant of uncertain significance.

St. Jude Molecular Pathology, St. Jude Children's Research Hospital
Classification: Uncertain significance for Pheochromocytoma. Last evaluated: 2026-02-20. Review status: criteria provided, single submitter. Criteria: St. Jude Assertion Criteria 2020. Collection method: clinical testing. Allele origin: germline.
Comment: The KIF1B c.146C>A p.(Ser49Tyr) missense change has a maximum subpopulation frequency of 0.01 5% in gnomAD v2.1.1. The in silico tool REVEL is inconclusive about the pathogenic or benign effect of this variant on protein function, and functional studies have not been performed. This variant has been reported in one individual with pheochromocytoma and paraganglioma (PMID: 28552549). To our knowledge, this variant has not been reported in individuals with neuroblastoma. In summary, the evidence currently available is insufficient to determine the clinical signi ficance of this variant. It has therefore been classified as of uncertain significance.

Labcorp Genetics (formerly Invitae), Labcorp
Classification: Uncertain significance for Charcot-Marie-Tooth disease type 2. Last evaluated: 2026-01-11. Review status: criteria provided, single submitter. Criteria: Invitae Variant Classification Sherloc (09022015). Collection method: clinical testing. Allele origin: germline.
Comment: This sequence change replaces serine, which is neutral and polar, with tyrosine, which is neutral and polar, at codon 49 of the KIF1B protein (p.Ser49Tyr). This variant is present in population databases (rs143654307, gnomAD 0.02%). This missense change has been observed in individual(s) with Charcot-Marie-Tooth disease (PMID: 32376792). ClinVar contains an entry for this variant (Variation ID: 291465). Invitae Evidence Modeling of protein sequence and biophysical properties (such as structural, functional, and spatial information, amino acid conservation, physicochemical variation, residue mobility, and thermodynamic stability) indicates that this missense variant is expected to disrupt KIF1B protein function with a positive predictive value of 80%. In summary, the available evidence is currently insufficient to determine the role of this variant in disease. Therefore, it has been classified as a Variant of Uncertain Significance.

Women's Health and Genetics/Laboratory Corporation of America, LabCorp
Classification: Uncertain significance. Last evaluated: 2025-05-29. Review status: criteria provided, single submitter. Criteria: LabCorp Variant Classification Summary - May 2015. Collection method: clinical testing. Allele origin: germline.
Comment: Variant summary: KIF1B c.146C>A (p.Ser49Tyr) results in a non-conservative amino acid change in the encoded protein sequence. Algorithms developed to predict the effect of missense changes on protein structure and function are either unavailable or do not agree on the potential impact of this missense change. The variant allele was found at a frequency of 7.6e-05 in 251466 control chromosomes (gnomAD). This frequency is not significantly higher than estimated for a pathogenic variant in KIF1B causing Charcot-Marie-Tooth disease type 2A1, allowing no conclusion about variant significance. c.146C>A has been observed in an individual affected with Charcot-Marie-Tooth disease (Volodarsky_2021). This report does not provide unequivocal conclusions about association of the variant with Charcot-Marie-Tooth disease type 2A1. To our knowledge, no experimental evidence demonstrating an impact on protein function has been reported. The following publication has been ascertained in the context of this evaluation (PMID: 32376792). ClinVar contains an entry for this variant (Variation ID: 291465). Based on the evidence outlined above, the variant was classified as uncertain significance.

Mayo Clinic Laboratories, Mayo Clinic
Classification: Uncertain significance. Last evaluated: 2022-10-03. Review status: criteria provided, single submitter. Criteria: ACMG Guidelines, 2015. Collection method: clinical testing. Allele origin: germline. Observed: 1 variant allele.
Comment: BS2

Ambry Genetics
Classification: Likely benign. Last evaluated: 2020-09-09. Review status: criteria provided, single submitter. Criteria: Ambry Variant Classification Scheme 2023. Collection method: clinical testing. Allele origin: germline.

Illumina Laboratory Services, Illumina
Classification: Uncertain significance for Neuroblastoma. Last evaluated: 2018-01-13. Review status: criteria provided, single submitter. Criteria: ICSL Variant Classification Criteria 13 December 2019. Collection method: clinical testing. Allele origin: germline.

Molecular Genetics Laboratory, London Health Sciences Centre
Classification: Uncertain significance for Charcot-Marie-Tooth disease. Review status: criteria provided, single submitter. Criteria: ACMG Guidelines, 2015. Collection method: clinical testing. Allele origin: germline. Affected: yes.

Center for Computational Biology & Bioinformatics, University of California, San Diego
Classification: Uncertain significance for Meniere disease. Last evaluated: 2024-06-03. Review status: no assertion criteria provided. Collection method: research. Allele origin: germline. Affected: yes. Not counted in ClinVar's aggregate classification.

Literature cited by the submitters: PubMed 32376792 (cited by 3 submitters).